The following is an entry in ClinVar:

NM_000083.3(CLCN1):c.-53G>A

Gene: CLCN1 (chloride voltage-gated channel 1; plus strand). Cytogenetic location: 7q34.
Variant type: single nucleotide variant.
Coding change: c.-53G>A on transcript NM_000083.3 (MANE Select); 53 bases upstream of the start codon, G replaced by A.
Molecular consequence: 5 prime UTR variant. On other transcripts: non-coding transcript variant (1).
Genome position (GRCh38, 1-based): chr7:143,316,160, G>A. VCF-style: chr7-143316160-G-A. GRCh37 (hg19) VCF-style: chr7-143013253-G-A.
Identifiers: ClinVar variation 4891104 (VCV004891104.1).

ClinVar aggregate classification (germline): Uncertain significance (1 of 4 stars; one submission).

gnomAD v4.1: 88 of 1,453,996 alleles (0.0061%); highest among the groups gnomAD compares: Admixed American, 0.14%; no homozygotes.

Submission:

Greenwood Genetic Center Diagnostic Laboratories, Greenwood Genetic Center
Classification: Uncertain significance. Last evaluated: 2026-05-24. Review status: criteria provided, single submitter. Criteria: ACMG Guidelines, 2015. Collection method: clinical testing. Allele origin: germline.
Comment: PM2, BP4